The following is an entry in ClinVar:

NM_032756.4(HPDL):c.466G>A (p.Gly156Arg)

Gene: HPDL (4-hydroxyphenylpyruvate dioxygenase like; plus strand). Cytogenetic location: 1p34.1.
Variant type: single nucleotide variant.
Coding change: c.466G>A on transcript NM_032756.4 (MANE Select); coding-DNA position 466, G replaced by A.
Protein change: p.Gly156Arg; replaces glycine 156 with arginine.
Molecular consequence: missense variant.
Genome position (GRCh38, 1-based): chr1:45,327,614, G>A. VCF-style: chr1-45327614-G-A. GRCh37 (hg19) VCF-style: chr1-45793286-G-A.
Other names: short protein forms G156R.
Identifiers: ClinVar variation 3389777 (VCV003389777.14).
Genomic context (GRCh38, chr1:45,327,614, plus strand): 5'-GCTGGCTACCGCGGACCCTTCCTACCCGGCTTCAGGCCCGTGTCCTCTGCGCCTGGCCCC[G>A]GGTGGGTCAGCCGCGTGGACCACCTGACCTTGGCCTGCACCCCCGGCAGCTCCCCCACAC-3'
Protein context (NP_116145.1, residues 146-166): FRPVSSAPGP[Gly156Arg]WVSRVDHLTL

ClinVar aggregate classification (germline): Uncertain significance (1 of 4 stars; one submission).

Submission:

CeGaT Center for Human Genetics Tuebingen
Classification: Uncertain significance. Last evaluated: 2024-09-01. Review status: criteria provided, single submitter. Criteria: CeGaT Center For Human Genetics Tuebingen Variant Classification Criteria Version 2. Collection method: clinical testing. Allele origin: germline. Affected: yes. Observed: 1 variant allele.
Comment: HPDL: PM2